The following is an entry in ClinVar:

NM_000093.5(COL5A1):c.-17G>A

Gene: COL5A1 (collagen type V alpha 1 chain; plus strand). Cytogenetic location: 9q34.3.
Variant type: single nucleotide variant.
Coding change: c.-17G>A on transcript NM_000093.5 (MANE Select); 17 bases upstream of the start codon, G replaced by A.
Molecular consequence: 5 prime UTR variant.
Genome position (GRCh38, 1-based): chr9:134,642,171, G>A. VCF-style: chr9-134642171-G-A. GRCh37 (hg19) VCF-style: chr9-137534017-G-A.
Other names: c.-17G>A (NM_001278074.1).
Identifiers: ClinVar variation 507366 (VCV000507366.2), dbSNP rs1554772552, ClinGen allele CA658797336.
Genomic context (GRCh38, chr9:134,642,171, plus strand): 5'-GGGCCGTGACCCGCGCCCCTGTGCGTCCCCGCGCGCCTCCGAGCGCCCCTGTGCGCCCCG[G>A]CCCGCGCCCCGCCGGCATGGACGTCCATACCCGCTGGAAAGCGCGCAGCGCGCTCCGCCC-3'

ClinVar aggregate classification (germline): Conflicting classifications of pathogenicity. Review status: criteria provided, conflicting classifications (1 of 4 stars). 2 submissions from 2 submitters: Uncertain significance (1); Likely benign (1). Last evaluated 2024-11-11.

Allele frequency attached by ClinVar (database versions not stated): TOPMed below 0.00001; gnomAD 0.00001.
gnomAD v4.1: 3 of 1,250,906 alleles (0.00024%); highest among the groups gnomAD compares: Non-Finnish European, 0.0003%; no homozygotes.

Submissions (2):

Women's Health and Genetics/Laboratory Corporation of America, LabCorp
Classification: Uncertain significance. Last evaluated: 2024-11-11. Review status: criteria provided, single submitter. Criteria: LabCorp Variant Classification Summary - May 2015. Collection method: clinical testing. Allele origin: germline.
Comment: Variant summary: COL5A1 c.-17G>A is located in the untranslated mRNA region upstream of the initiation codon. The variant was absent in 1250906 control chromosomes. The available data on variant occurrences in the general population are insufficient to allow any conclusion about variant significance. To our knowledge, no occurrence of c.-17G>A in individuals affected with Ehlers-Danlos syndrome, classic type, Ehlers-Danlos syndrome, classic type, 1 and no experimental evidence demonstrating its impact on protein function have been reported. ClinVar contains an entry for this variant (Variation ID: 507366). Based on the evidence outlined above, the variant was classified as uncertain significance.

GeneDx
Classification: Likely benign. Last evaluated: 2017-02-09. Review status: criteria provided, single submitter. Criteria: GeneDx Variant Classification (06012015). Collection method: clinical testing. Allele origin: germline. Affected: yes.
Comment: This variant is considered likely benign or benign based on one or more of the following criteria: it is a conservative change, it occurs at a poorly conserved position in the protein, it is predicted to be benign by multiple in silico algorithms, and/or has population frequency not consistent with disease.